The following is an entry in ClinVar:

NM_014141.6(CNTNAP2):c.1843dup (p.Asp615fs)

Gene: CNTNAP2 (contactin associated protein 2; plus strand). Cytogenetic location: 7q35.
Variant type: Duplication.
Coding change: c.1843dup on transcript NM_014141.6 (MANE Select); coding-DNA position 1843, one base duplicated (G; older notation c.1843dupG).
Protein change: p.Asp615fs; shifts the reading frame from aspartic acid 615.
Molecular consequence: frameshift variant.
Genome position (GRCh38, 1-based): chr7:147,562,203, G duplicated. VCF-style (leftmost placement, unchanged base first): chr7-147562202-A-AG. GRCh37 (hg19) VCF-style: chr7-147259294-A-AG.
Other names: c.1843dupG (NM_014141.5); short protein forms D615fs.
Identifiers: ClinVar variation 1427707 (VCV001427707.7), dbSNP rs2116789389, ClinGen allele CA2573141785.

ClinVar aggregate classification (germline): Pathogenic. Review status: criteria provided, multiple submitters, no conflicts (2 of 4 stars). 2 submissions from 2 submitters: Pathogenic (2). Last evaluated 2025-07-01.

Conditions:
Cortical dysplasia-focal epilepsy syndrome (PTHSL1). Also called: Pitt-Hopkins-like syndrome 1. Identifiers: Orphanet 163681, Orphanet 221150, MedGen C2750246, MONDO:0012400, OMIM 610042.
Inborn genetic diseases. Identifiers: MedGen C0950123, MeSH D030342.

Submissions (2):

Ambry Genetics
Classification: Pathogenic for Inborn genetic diseases. Last evaluated: 2025-07-01. Review status: criteria provided, single submitter. Criteria: Ambry Variant Classification Scheme 2023. Collection method: clinical testing. Allele origin: germline.
Comment: The c.1843dupG (p.D615Gfs*3) alteration, located in exon 12 (coding exon 12) of the CNTNAP2 gene, consists of a duplication of G at position 1843, causing a translational frameshift with a predicted alternate stop codon after 3 amino acids. This alteration is expected to result in loss of function by premature protein truncation or nonsense-mediated mRNA decay. This variant was not reported in population-based cohorts in the Genome Aggregation Database (gnomAD). Based on the available evidence, this alteration is classified as pathogenic.

Labcorp Genetics (formerly Invitae), Labcorp
Classification: Pathogenic for Cortical dysplasia-focal epilepsy syndrome. Last evaluated: 2021-06-16. Review status: criteria provided, single submitter. Criteria: Invitae Variant Classification Sherloc (09022015). Collection method: clinical testing. Allele origin: germline.
Comment: This sequence change creates a premature translational stop signal (p.Asp615Glyfs*3) in the CNTNAP2 gene. It is expected to result in an absent or disrupted protein product. Loss-of-function variants in CNTNAP2 are known to be pathogenic (PMID: 19896112, 21827697, 25045150, 26843181, 27439707). This variant is not present in population databases (ExAC no frequency). This variant has not been reported in the literature in individuals with CNTNAP2-related conditions. Algorithms developed to predict the effect of sequence changes on RNA splicing suggest that this variant may create or strengthen a splice site, but this prediction has not been confirmed by published transcriptional studies. For these reasons, this variant has been classified as Pathogenic.

Literature cited by the submitters: PubMed 19896112 (cited by Labcorp Genetics (formerly Invitae), Labcorp); PubMed 21827697 (cited by Labcorp Genetics (formerly Invitae), Labcorp); PubMed 25045150 (cited by Labcorp Genetics (formerly Invitae), Labcorp); PubMed 26843181 (cited by Labcorp Genetics (formerly Invitae), Labcorp); PubMed 27439707 (cited by Labcorp Genetics (formerly Invitae), Labcorp).